The following is an entry in ClinVar:

ClinVar aggregate classification (germline): Uncertain significance. Review status: criteria provided, single submitter (1 of 4 stars). 2 submissions from 2 submitters: Uncertain significance (1). 1 of the submissions does not count toward it.

Conditions:
Diabetes mellitus, permanent neonatal 4. Also called: INS-Related Permanent Neonatal Diabetes Mellitus. Identifiers: MedGen C5394307, MONDO:0030089, OMIM 618858.
Permanent neonatal diabetes mellitus (PNDM). Identifiers: Orphanet 99885, MedGen C1833104, MONDO:0100164, MONDO:0011643. Disease mechanism: gain of function.

Submissions (2):

Clinical Genomics, Uppaluri K&H Personalized Medicine Clinic
Classification: Uncertain significance for Diabetes mellitus, permanent neonatal 4. Review status: criteria provided, single submitter. Criteria: K &amp; H Uppaluri Personalized Medicine Clinic Variant Classification &amp; Assertion Criteria_Updated V.1. Collection method: research. Allele origin: unknown. Inheritance: Autosomal dominant inheritance.
Comment: Potent mutations in the INS gene can cause early onset diabetes mellitus which is insulin dependent. May have poor response to sulfonylureas, mutations in this gene can cause beta cell destruction.G84R/ rs121908274 variant is Prevalent in patients with Permanent neonatal diabetes mellitus.However, the role of this particular variant is yet to be ascertained

UniProtKB/Swiss-Prot
No classification provided. Condition: Permanent neonatal diabetes mellitus. Review status: no classification provided. Collection method: not provided. Allele origin: not provided. Not counted in ClinVar's aggregate classification.

Literature cited by the submitters: PubMed 18162506 (cited by Clinical Genomics, Uppaluri K&H Personalized Medicine Clinic).

NM_000207.3(INS):c.250G>A (p.Gly84Arg)

Genes: INS (insulin; minus strand), INS-IGF2 (INS-IGF2 readthrough; minus strand). Cytogenetic location: 11p15.5.
Variant type: single nucleotide variant.
Coding change: c.250G>A on transcript NM_000207.3 (MANE Select); coding-DNA position 250, G replaced by A.
Protein change: p.Gly84Arg; replaces glycine 84 with arginine.
Molecular consequence: missense variant. On other transcripts: intron variant (1).
Genome position (GRCh38, 1-based): chr11:2,159,935, C>T on the plus strand (G>A on the coding strand, the complement: INS is on the minus strand). VCF-style: chr11-2159935-C-T. GRCh37 (hg19) VCF-style: chr11-2181165-C-T.
Other names: c.250G>A, p.Gly84Arg (NM_001185097.2, NM_001185098.2, NM_001291897.2); c.187+850G>A (NM_001042376.3); short protein forms G84R.
Identifiers: ClinVar variation 68729 (VCV000068729.2), dbSNP rs121908274, ClinGen allele CA266171.
Genomic context (GRCh38, chr11:2,159,935, plus strand): 5'-GGTAGAGGGAGCAGATGCTGGTACAGCATTGTTCCACAATGCCACGCTTCTGCAGGGACC[C>T]CTCCAGGGCCAAGGGCTGCAGGCTGCCTGCACCAGGGCCCCCGCCCAGCTCCACCTGCCC-3'
Protein context (NP_000198.1, residues 74-94): AGSLQPLALE[Gly84Arg]SLQKRGIVEQ